The following is an entry in ClinVar:

NM_003737.4(DCHS1):c.2194C>T (p.Leu732Phe)

Gene: DCHS1 (dachsous cadherin-related 1; minus strand). Cytogenetic location: 11p15.4.
Variant type: single nucleotide variant.
Coding change: c.2194C>T on transcript NM_003737.4 (MANE Select); coding-DNA position 2194, C replaced by T.
Protein change: p.Leu732Phe; replaces leucine 732 with phenylalanine.
Molecular consequence: missense variant.
Genome position (GRCh38, 1-based): chr11:6,633,813, G>A on the plus strand (C>T on the coding strand, the complement: DCHS1 is on the minus strand). VCF-style: chr11-6633813-G-A. GRCh37 (hg19) VCF-style: chr11-6655044-G-A.
Other names: short protein forms L732F.
Identifiers: ClinVar variation 3004316 (VCV003004316.3), dbSNP rs147623607, ClinGen allele CA5860794.

ClinVar aggregate classification (germline): Uncertain significance (1 of 4 stars; one submission).

Allele frequency attached by ClinVar (database versions not stated): gnomAD exomes 0.00001; gnomAD 0.00002; TOPMed 0.00002; ExAC 0.00003; ESP Exome Variant Server 0.00008.
gnomAD v4.1: 24 of 1,613,650 alleles (0.0015%); highest among the groups gnomAD compares: African/African-American, 0.0067%; no homozygotes.

Submission:

Labcorp Genetics (formerly Invitae), Labcorp
Classification: Uncertain significance. Last evaluated: 2023-11-20. Review status: criteria provided, single submitter. Criteria: Invitae Variant Classification Sherloc (09022015). Collection method: clinical testing. Allele origin: germline.
Comment: This sequence change replaces leucine, which is neutral and non-polar, with phenylalanine, which is neutral and non-polar, at codon 732 of the DCHS1 protein (p.Leu732Phe). This variant is present in population databases (rs147623607, gnomAD 0.01%). This variant has not been reported in the literature in individuals affected with DCHS1-related conditions. Advanced modeling of protein sequence and biophysical properties (such as structural, functional, and spatial information, amino acid conservation, physicochemical variation, residue mobility, and thermodynamic stability) performed at Invitae indicates that this missense variant is not expected to disrupt DCHS1 protein function with a negative predictive value of 80%. In summary, the available evidence is currently insufficient to determine the role of this variant in disease. Therefore, it has been classified as a Variant of Uncertain Significance.